The following is an entry in ClinVar:

NM_001146079.2(CLDN14):c.266T>C (p.Leu89Pro)

Genes: CLDN14 (claudin 14; minus strand), CLDN14-AS1 (CLDN14 antisense RNA 1; plus strand). Cytogenetic location: 21q22.13.
Variant type: single nucleotide variant.
Coding change: c.266T>C on transcript NM_001146079.2 (MANE Select); coding-DNA position 266, T replaced by C.
Protein change: p.Leu89Pro; replaces leucine 89 with proline.
Molecular consequence: missense variant.
Genome position (GRCh38, 1-based): chr21:36,461,430, A>G on the plus strand (T>C on the coding strand, the complement: CLDN14 is on the minus strand). VCF-style: chr21-36461430-A-G. GRCh37 (hg19) VCF-style: chr21-37833728-A-G.
Other names: c.266T>C, p.Leu89Pro (NM_001146077.2, NM_001146078.3, NM_012130.4 and 1 more transcripts); short protein forms L89P.
Identifiers: ClinVar variation 1359758 (VCV001359758.8), dbSNP rs2146411274, ClinGen allele CA409882330.

ClinVar aggregate classification (germline): Uncertain significance (1 of 4 stars; one submission).

Submission:

Labcorp Genetics (formerly Invitae), Labcorp
Classification: Uncertain significance. Last evaluated: 2022-09-27. Review status: criteria provided, single submitter. Criteria: Invitae Variant Classification Sherloc (09022015). Collection method: clinical testing. Allele origin: germline.
Comment: This variant has not been reported in the literature in individuals affected with CLDN14-related conditions. ClinVar contains an entry for this variant (Variation ID: 1359758). This variant is not present in population databases (gnomAD no frequency). This sequence change replaces leucine, which is neutral and non-polar, with proline, which is neutral and non-polar, at codon 89 of the CLDN14 protein (p.Leu89Pro). Algorithms developed to predict the effect of missense changes on protein structure and function (SIFT, PolyPhen-2, Align-GVGD) all suggest that this variant is likely to be disruptive. In summary, the available evidence is currently insufficient to determine the role of this variant in disease. Therefore, it has been classified as a Variant of Uncertain Significance.